The following is an entry in ClinVar:

NM_000069.3(CACNA1S):c.1926C>T (p.Ile642=)

Gene: CACNA1S (calcium voltage-gated channel subunit alpha1 S; minus strand). Cytogenetic location: 1q32.1.
Variant type: single nucleotide variant.
Coding change: c.1926C>T on transcript NM_000069.3 (MANE Select); coding-DNA position 1926, C replaced by T.
Protein change: p.Ile642=; no amino-acid change (isoleucine 642 retained).
Molecular consequence: synonymous variant.
Genome position (GRCh38, 1-based): chr1:201,075,517, G>A on the plus strand (C>T on the coding strand, the complement: CACNA1S is on the minus strand). VCF-style: chr1-201075517-G-A. GRCh37 (hg19) VCF-style: chr1-201044645-G-A.
Identifiers: ClinVar variation 3049886 (VCV003049886.3), dbSNP rs1294275087, ClinGen allele CA422689025.

ClinVar aggregate classification (germline): Likely benign. Review status: criteria provided, single submitter (1 of 4 stars). 2 submissions from 2 submitters: Likely benign (1). 1 of the submissions does not count toward it. Last evaluated 2025-06-13.

Conditions:
CACNA1S-related disorder. Also called: CACNA1S-related condition.
Hypokalemic periodic paralysis, type 1. Also called: Hypokalemic Periodic Paralysis Type 1 (AD); HypoPP. Identifiers: Orphanet 681, MedGen C3714580, MONDO:0042979, OMIM 170400.
Malignant hyperthermia, susceptibility to, 5 (MHS5). Also called: CACNA1S-Related Malignant Hyperthermia Susceptibility. Identifiers: Orphanet 423, MedGen C1866077, MONDO:0011163, OMIM 601887.

Allele frequency attached by ClinVar (database versions not stated): gnomAD exomes below 0.00001; TOPMed below 0.00001; gnomAD 0.00001.
gnomAD v4.1: 3 of 1,613,286 alleles (0.00019%); highest among the groups gnomAD compares: Non-Finnish European, 0.00017%; no homozygotes.

Submissions (2):

Labcorp Genetics (formerly Invitae), Labcorp
Classification: Likely benign for Hypokalemic periodic paralysis, type 1; Malignant hyperthermia, susceptibility to, 5. Last evaluated: 2025-06-13. Review status: criteria provided, single submitter. Criteria: Invitae Variant Classification Sherloc (09022015). Collection method: clinical testing. Allele origin: germline.

PreventionGenetics, part of Exact Sciences
Classification: Likely benign for CACNA1S-related condition. Last evaluated: 2022-12-29. Review status: no assertion criteria provided. Collection method: clinical testing. Allele origin: germline. Not counted in ClinVar's aggregate classification.
Comment: This variant is classified as likely benign based on ACMG/AMP sequence variant interpretation guidelines (Richards et al. 2015 PMID: 25741868, with internal and published modifications).